The following is an entry in ClinVar:

ClinVar aggregate classification (germline): Uncertain significance (1 of 4 stars; one submission).

Allele frequency attached by ClinVar (database versions not stated): TOPMed below 0.00001.

Submission:

Labcorp Genetics (formerly Invitae), Labcorp
Classification: Uncertain significance. Last evaluated: 2022-02-08. Review status: criteria provided, single submitter. Criteria: Invitae Variant Classification Sherloc (09022015). Collection method: clinical testing. Allele origin: germline.
Comment: In summary, the available evidence is currently insufficient to determine the role of this variant in disease. Therefore, it has been classified as a Variant of Uncertain Significance. Algorithms developed to predict the effect of missense changes on protein structure and function (SIFT, PolyPhen-2, Align-GVGD) all suggest that this variant is likely to be disruptive. This variant has not been reported in the literature in individuals affected with ERBB4-related conditions. This variant is not present in population databases (gnomAD no frequency). This sequence change replaces glycine, which is neutral and non-polar, with arginine, which is basic and polar, at codon 340 of the ERBB4 protein (p.Gly340Arg).

NM_005235.3(ERBB4):c.1018G>A (p.Gly340Arg)

Gene: ERBB4 (erb-b2 receptor tyrosine kinase 4; minus strand). Cytogenetic location: 2q34.
Variant type: single nucleotide variant.
Coding change: c.1018G>A on transcript NM_005235.3 (MANE Select); coding-DNA position 1018, G replaced by A.
Protein change: p.Gly340Arg; replaces glycine 340 with arginine.
Molecular consequence: missense variant.
Genome position (GRCh38, 1-based): chr2:211,712,156, C>T on the plus strand (G>A on the coding strand, the complement: ERBB4 is on the minus strand). VCF-style: chr2-211712156-C-T. GRCh37 (hg19) VCF-style: chr2-212576881-C-T.
Other names: c.1018G>A, p.Gly340Arg (NM_001042599.2); short protein forms G340R.
Identifiers: ClinVar variation 2094926 (VCV002094926.4), dbSNP rs2073725099, ClinGen allele CA350443555.
Genomic context (GRCh38, chr2:211,712,156, plus strand): 5'-TACAGTTTATGAATTTGTCAATGTTACTGGAATCCACAGTCTGAGCTGACATCAATGATC[C>T]TGTGCCAATGCCATCACAAGCTGTAGAAACAAGACTCAGAGTTAGGGGATTGAGAAACTT-3'
Protein context (NP_005226.1, residues 330-350): CPKACDGIGT[Gly340Arg]SLMSAQTVDS